The following is an entry in ClinVar:

NM_021930.6(RINT1):c.1814A>T (p.Asp605Val)

Gene: RINT1 (RAD50 interactor 1; plus strand). Cytogenetic location: 7q22.3.
Variant type: single nucleotide variant.
Coding change: c.1814A>T on transcript NM_021930.6 (MANE Select); coding-DNA position 1814, A replaced by T.
Protein change: p.Asp605Val; replaces aspartic acid 605 with valine.
Molecular consequence: missense variant. On other transcripts: non-coding transcript variant (1).
Genome position (GRCh38, 1-based): chr7:105,563,875, A>T. VCF-style: chr7-105563875-A-T. GRCh37 (hg19) VCF-style: chr7-105204322-A-T.
Other names: c.791A>T, p.Asp264Val (NM_001346603.2, NM_001346600.2); c.1580A>T, p.Asp527Val (NM_001346599.2); c.890A>T, p.Asp297Val (NM_001346601.2); short protein forms D264V, D297V, D527V, D605V.
Identifiers: ClinVar variation 4863326 (VCV004863326.1).

ClinVar aggregate classification (germline): Uncertain significance (1 of 4 stars; one submission).

Submission:

Ambry Genetics
Classification: Uncertain significance. Last evaluated: 2026-04-04. Review status: criteria provided, single submitter. Criteria: Ambry Variant Classification Scheme 2023. Collection method: clinical testing. Allele origin: germline.
Comment: The p.D605V variant (also known as c.1814A>T), located in coding exon 12 of the RINT1 gene, results from an A to T substitution at nucleotide position 1814. The aspartic acid at codon 605 is replaced by valine, an amino acid with highly dissimilar properties. This amino acid position is conserved. In addition, the in silico prediction for this alteration is inconclusive. Based on the available evidence, the clinical significance of this variant remains unclear.